The following is an entry in ClinVar:

ClinVar aggregate classification (germline): Uncertain significance. Review status: criteria provided, multiple submitters, no conflicts (2 of 4 stars). 4 submissions from 4 submitters: Uncertain significance (3). 1 of the submissions does not count toward it. Last evaluated 2026-10-01.

Conditions:
Normophosphatemic familial tumoral calcinosis. Also called: CALCINOSIS, TUMORAL, WITH NORMOPHOSPHATEMIA. Identifiers: Orphanet 306658, Orphanet 53715, MedGen C1864861, MONDO:0012502, OMIM 610455.
Monosomy 7 myelodysplasia and leukemia syndrome 2. Identifiers: MedGen C5436668, MONDO:0030801, OMIM 619041.

Submissions (4):

St. Jude Molecular Pathology, St. Jude Children's Research Hospital
Classification: Uncertain significance for Monosomy 7 myelodysplasia and leukemia syndrome 2. Last evaluated: 2026-10-01. Review status: criteria provided, single submitter. Criteria: St. Jude Assertion Criteria 2020. Collection method: clinical testing. Allele origin: germline.
Comment: The SAMD9 c.4334_4336del p.(Gln1445del) change deletes three n ucleotides at position 4334-4336 resulting in an in-frame deletion of one amino acid at codon 1445. This variant has a maximum subpopulation frequency of 0.005% in gnomAD v2.1.1. This variant has been reported in an i ndividual with myelodysplastic syndrome (PMID: 34621053). In summary, the evidence currently available is insufficient to determine the clinical significance of this variant. It has therefore been classified as of uncertain significance (VUS-Low).

Labcorp Genetics (formerly Invitae), Labcorp
Classification: Uncertain significance. Last evaluated: 2025-12-16. Review status: criteria provided, single submitter. Criteria: Invitae Variant Classification Sherloc (09022015). Collection method: clinical testing. Allele origin: germline.
Comment: This variant, c.4334_4336del, results in the deletion of 1 amino acid(s) of the SAMD9 protein (p.Gln1445del), but otherwise preserves the integrity of the reading frame. This variant is present in population databases (rs755666547, gnomAD 0.006%). This variant has been observed in individual(s) with pediatric myelodysplastic syndrome and/or pseudoxanthoma elasticum (PMID: 34621053). ClinVar contains an entry for this variant (Variation ID: 555093). Algorithms developed to predict the effect of variants on gene product structure and function are not available or were not evaluated for this variant. Experimental studies have shown that this variant affects SAMD9 function (PMID: 34621053). In summary, the available evidence is currently insufficient to determine the role of this variant in disease. Therefore, it has been classified as a Variant of Uncertain Significance.

GeneDx
Classification: Uncertain significance. Last evaluated: 2024-05-28. Review status: criteria provided, single submitter. Criteria: GeneDx Variant Classification Process June 2021. Collection method: clinical testing. Allele origin: germline.
Comment: In-frame deletion of 1 amino acid in a non-repeat region; In silico analysis supports a deleterious effect on protein structure/function; Observed in an individual with myelodysplastic syndrome (PMID: 34621053); This variant is associated with the following publications: (PMID: 34906475, 34621053)

Counsyl
Classification: Uncertain significance for Normophosphatemic familial tumoral calcinosis. Last evaluated: 2017-11-22. Review status: no assertion criteria provided. Collection method: clinical testing. Allele origin: unknown. Not counted in ClinVar's aggregate classification.

Literature cited by the submitters: PubMed 34621053 (cited by Labcorp Genetics (formerly Invitae), Labcorp).

NM_017654.4(SAMD9):c.4331AAC[1] (p.Gln1445del)

Gene: SAMD9 (sterile alpha motif domain containing 9; minus strand). Cytogenetic location: 7q21.2.
Variant type: Microsatellite.
Coding change: c.4331AAC[1] on transcript NM_017654.4 (MANE Select); one copy of the 3-base unit AAC starting at c.4331; the reference has two copies in a row; one copy, 3 bases deleted; also written c.4334_4336del.
Protein change: p.Gln1445del; deletes glutamine 1445.
Molecular consequence: inframe deletion.
Genome position (GRCh38, 1-based): chr7:93,101,762-93,101,764, GTT deleted on the plus strand (AAC on the coding strand, the reverse complement: SAMD9 is on the minus strand); deleting any 3 consecutive bases within chr7:93,101,762-93,101,768 gives the same sequence; the position shown is the placement nearest the transcript's 3' end. VCF-style (leftmost placement, unchanged base first): chr7-93101761-AGTT-A. GRCh37 (hg19) VCF-style: chr7-92731074-AGTT-A.
Other names: c.4334_4336delAAC (NM_017654.3); c.4331AAC[1], p.Gln1445del (NM_001193307.2); c.4334_4336del (NM_017654.4); short protein forms Q1445del.
Identifiers: ClinVar variation 555093 (VCV000555093.8), dbSNP rs755666547, ClinGen allele CA4342564.